The following is an entry in ClinVar:

NM_001276270.2(MBD4):c.1576A>G (p.Ile526Val)

Gene: MBD4 (methyl-CpG binding domain 4, DNA glycosylase; minus strand). Cytogenetic location: 3q21.3.
Variant type: single nucleotide variant.
Coding change: c.1576A>G on transcript NM_001276270.2 (MANE Select); coding-DNA position 1576, A replaced by G.
Protein change: p.Ile526Val; replaces isoleucine 526 with valine.
Molecular consequence: missense variant.
Genome position (GRCh38, 1-based): chr3:129,432,574, T>C on the plus strand (A>G on the coding strand, the complement: MBD4 is on the minus strand). VCF-style: chr3-129432574-T-C. GRCh37 (hg19) VCF-style: chr3-129151417-T-C.
Other names: c.1594A>G, p.Ile532Val (NM_001276271.2, NM_001276272.2, NM_003925.3); c.640A>G, p.Ile214Val (NM_001276273.2); c.1594A>G (NM_003925.2); short protein forms I532V, I214V, I526V.
Identifiers: ClinVar variation 2766065 (VCV002766065.27), dbSNP rs183820888, ClinGen allele CA2605255.

ClinVar aggregate classification (germline): Conflicting classifications of pathogenicity. Review status: criteria provided, conflicting classifications (1 of 4 stars). 4 submissions from 4 submitters: Uncertain significance (2); Likely benign (2). Last evaluated 2026-01-24.

Conditions:
MBD4-related disorder. Also called: MBD4-related condition.
Inborn genetic diseases. Identifiers: MedGen C0950123, MeSH D030342.

Allele frequency attached by ClinVar (database versions not stated): gnomAD 0.00002; gnomAD exomes 0.00004; TOPMed 0.00005; ExAC 0.00007; 1000 Genomes Project 0.00020; 1000 Genomes Project 30x 0.00031.
gnomAD v4.1: 59 of 1,614,162 alleles (0.0037%); highest among the groups gnomAD compares: East Asian, 0.031%; no homozygotes.

Submissions (4):

PreventionGenetics, part of Exact Sciences
Classification: Uncertain significance for MBD4-related condition. Last evaluated: 2026-01-24. Review status: criteria provided, single submitter. Criteria: ACMG Guidelines, 2015. Collection method: clinical testing. Allele origin: germline.
Comment: The MBD4 c.1594A>G variant is predicted to result in the amino acid substitution p.Ile532Val. To our knowledge, this variant has not been reported in the literature. This variant is reported in 0.035% of alleles in individuals of East Asian descent in gnomAD and has conflicting interpretations in ClinVar ranging from likely benign to uncertain (Variation ID: 2766065). Although we suspect that this variant may be benign, at this time, the clinical significance of this variant is uncertain due to the absence of conclusive functional and genetic evidence.

Labcorp Genetics (formerly Invitae), Labcorp
Classification: Uncertain significance. Last evaluated: 2025-12-08. Review status: criteria provided, single submitter. Criteria: Invitae Variant Classification Sherloc (09022015). Collection method: clinical testing. Allele origin: germline.
Comment: This sequence change replaces isoleucine, which is neutral and non-polar, with valine, which is neutral and non-polar, at codon 532 of the MBD4 protein (p.Ile532Val). This variant is present in population databases (rs183820888, gnomAD 0.04%). This variant has not been reported in the literature in individuals affected with MBD4-related conditions. ClinVar contains an entry for this variant (Variation ID: 2766065). An algorithm developed to predict the effect of missense changes on protein structure and function (PolyPhen-2) suggests that this variant is likely to be disruptive. In summary, the available evidence is currently insufficient to determine the role of this variant in disease. Therefore, it has been classified as a Variant of Uncertain Significance.

Ambry Genetics
Classification: Likely benign for Inborn genetic diseases. Last evaluated: 2024-10-17. Review status: criteria provided, single submitter. Criteria: Ambry Variant Classification Scheme 2023. Collection method: clinical testing. Allele origin: germline.

CeGaT Center for Human Genetics Tuebingen
Classification: Likely benign. Last evaluated: 2024-04-01. Review status: criteria provided, single submitter. Criteria: CeGaT Center For Human Genetics Tuebingen Variant Classification Criteria Version 2. Collection method: clinical testing. Allele origin: germline. Affected: yes. Observed: 2 variant alleles.
Comment: MBD4: BP4